The following is an entry in ClinVar:

ClinVar aggregate classification (germline): Likely benign (1 of 4 stars; one submission).

gnomAD v4.1: 6 of 1,613,994 alleles (0.00037%); highest among the groups gnomAD compares: East Asian, 0.0022%; no homozygotes.

Submission:

CeGaT Center for Human Genetics Tuebingen
Classification: Likely benign. Last evaluated: 2025-02-01. Review status: criteria provided, single submitter. Criteria: CeGaT Center For Human Genetics Tuebingen Variant Classification Criteria Version 2. Collection method: clinical testing. Allele origin: germline. Affected: yes. Observed: 1 variant allele.
Comment: CRIPTO: BP4, BP7

NM_003212.4(CRIPTO):c.474C>T (p.Leu158=)

Gene: CRIPTO (cripto, EGF-CFC family member; plus strand). Cytogenetic location: 3p21.31.
Variant type: single nucleotide variant.
Coding change: c.474C>T on transcript NM_003212.4 (MANE Select); coding-DNA position 474, C replaced by T.
Protein change: p.Leu158=; no amino-acid change (leucine 158 retained).
Molecular consequence: synonymous variant.
Genome position (GRCh38, 1-based): chr3:46,581,157, C>T. VCF-style: chr3-46581157-C-T. GRCh37 (hg19) VCF-style: chr3-46622647-C-T.
Other names: c.426C>T, p.Leu142= (NM_001174136.2).
Identifiers: ClinVar variation 3771395 (VCV003771395.13).
Genomic context (GRCh38, chr3:46,581,157, plus strand): 5'-GTTTGCTTTAATGACCAAGCATCCCTACCTTCCAGATGGCCTTGTGATGGATGAGCACCT[C>T]GTGGCTTCCAGGACTCCAGAACTACCACCGTCTGCACGTACTACCACTTTTATGCTAGTT-3'
Protein context (NP_003203.1, residues 148-168): GCDGLVMDEH[Leu158=]VASRTPELPP